The following is an entry in ClinVar:

NM_000204.5(CFI):c.328+6A>G

Gene: CFI (complement factor I; minus strand). Cytogenetic location: 4q25.
Variant type: single nucleotide variant.
Coding change: c.328+6A>G on transcript NM_000204.5 (MANE Select); 6 bases into the intron after coding-DNA position 328, A replaced by G.
Molecular consequence: intron variant.
Genome position (GRCh38, 1-based): chr4:109,766,548, T>C on the plus strand (A>G on the coding strand, the complement: CFI is on the minus strand). VCF-style: chr4-109766548-T-C. GRCh37 (hg19) VCF-style: chr4-110687704-T-C.
Other names: c.328+6A>G (NM_001375282.1, NM_001375280.1, NM_001375281.1 and 5 more transcripts); c.-127-4856A>G (NM_001375284.1).
Identifiers: ClinVar variation 2876172 (VCV002876172.3), dbSNP rs2545456011, ClinGen allele CA2739270248.
Genomic context (GRCh38, chr4:109,766,548, plus strand): 5'-TAGAAAGTATGGCATACAAATACCCTTTTATATCATAGAATGACTTGAAAACTAGTCTCT[T>C]GCTACCTTCGGCTGTGCATGTTCCGTTATTTAAAAACTTTGTCCCTGGATGAAGACATTC-3'

ClinVar aggregate classification (germline): Uncertain significance (1 of 4 stars; one submission).

Submission:

Labcorp Genetics (formerly Invitae), Labcorp
Classification: Uncertain significance. Last evaluated: 2023-10-22. Review status: criteria provided, single submitter. Criteria: Invitae Variant Classification Sherloc (09022015). Collection method: clinical testing. Allele origin: germline.
Comment: This sequence change falls in intron 2 of the CFI gene. It does not directly change the encoded amino acid sequence of the CFI protein. It affects a nucleotide within the consensus splice site. This variant is not present in population databases (gnomAD no frequency). This variant has not been reported in the literature in individuals affected with CFI-related conditions. Variants that disrupt the consensus splice site are a relatively common cause of aberrant splicing (PMID: 17576681, 9536098). Algorithms developed to predict the effect of sequence changes on RNA splicing suggest that this variant is not likely to affect RNA splicing. In summary, the available evidence is currently insufficient to determine the role of this variant in disease. Therefore, it has been classified as a Variant of Uncertain Significance.

Literature cited by the submitters: PubMed 17576681; PubMed 9536098.